The following is an entry in ClinVar:

ClinVar aggregate classification (germline): Uncertain significance (1 of 4 stars; one submission).

Submission:

GeneDx
Classification: Uncertain significance. Last evaluated: 2026-03-29. Review status: criteria provided, single submitter. Criteria: GeneDx Variant Classification Process June 2021. Collection method: clinical testing. Allele origin: germline.
Comment: Not observed at significant frequency in large population cohorts (gnomAD); In silico analysis supports that this missense variant has a deleterious effect on protein structure/function; Has not been previously published as pathogenic or benign to our knowledge

NM_152296.5(ATP1A3):c.1955C>T (p.Ala652Val)

Gene: ATP1A3 (ATPase Na+/K+ transporting subunit alpha 3; minus strand). Cytogenetic location: 19q13.2.
Variant type: single nucleotide variant.
Coding change: c.1955C>T on transcript NM_152296.5 (MANE Select); coding-DNA position 1955, C replaced by T.
Protein change: p.Ala652Val; replaces alanine 652 with valine.
Molecular consequence: missense variant.
Genome position (GRCh38, 1-based): chr19:41,976,555, G>A on the plus strand (C>T on the coding strand, the complement: ATP1A3 is on the minus strand). VCF-style: chr19-41976555-G-A. GRCh37 (hg19) VCF-style: chr19-42480707-G-A.
Other names: c.1988C>T, p.Ala663Val (NM_001256213.2); c.1994C>T, p.Ala665Val (NM_001256214.2); short protein forms A652V, A663V, A665V.
Identifiers: ClinVar variation 5017611 (VCV005017611.1).
Genomic context (GRCh38, chr19:41,976,555, plus strand): 5'-AGGATCTCGTCGATTTGCTCGGAGGTGAAGTCCTTGAGGTCGGTGCCGTGGATCACGCAG[G>A]CCTTGGCATCCCTGGGAAGAGCAGAGAGAGCGATGGCTGAGGTCAGGGTGTGTGAGGAGT-3'
Protein context (NP_689509.1, residues 642-662): VSQVNPRDAK[Ala652Val]CVIHGTDLKD